The following is an entry in ClinVar:

ClinVar aggregate classification (germline): Uncertain significance (1 of 4 stars; one submission).

Submission:

Women's Health and Genetics/Laboratory Corporation of America, LabCorp
Classification: Uncertain significance. Last evaluated: 2026-01-14. Review status: criteria provided, single submitter. Criteria: LabCorp Variant Classification Summary - May 2015. Collection method: clinical testing. Allele origin: germline.
Comment: Variant summary: BRCA1 c.3665A>G (p.Glu1222Gly) results in a non-conservative amino acid change in the encoded protein sequence. Algorithms developed to predict the effect of missense changes on protein structure and function are either unavailable or do not agree on the potential impact of this missense change. The variant was absent in 251296 control chromosomes. The available data on variant occurrences in the general population are insufficient to allow any conclusion about variant significance. To our knowledge, no occurrence of c.3665A>G in individuals affected with BRCA1-related conditions and no experimental evidence demonstrating its impact on protein function have been reported. No submitters have cited clinical-significance assessments for this variant to ClinVar. Based on the evidence outlined above, the variant was classified as uncertain significance.

NM_007294.4(BRCA1):c.3665A>G (p.Glu1222Gly)

Genes: BRCA1 (BRCA1 DNA repair associated; minus strand), LOC126862571 (BRD4-independent group 4 enhancer GRCh37_chr17:41243136-41244335; plus strand). Cytogenetic location: 17q21.31.
Variant type: single nucleotide variant.
Coding change: c.3665A>G on transcript NM_007294.4 (MANE Select); coding-DNA position 3665, A replaced by G.
Protein change: p.Glu1222Gly; replaces glutamic acid 1222 with glycine.
Molecular consequence: missense variant. On other transcripts: intron variant (135).
Genome position (GRCh38, 1-based): chr17:43,091,866, T>C on the plus strand (A>G on the coding strand, the complement: BRCA1 is on the minus strand). VCF-style: chr17-43091866-T-C. GRCh37 (hg19) VCF-style: chr17-41243883-T-C.
Other names: c.3452A>G, p.Glu1151Gly (NM_001407571.1, NM_001407853.1, NM_001407894.1 and 9 more transcripts); c.3665A>G, p.Glu1222Gly (NM_001407581.1, NM_001407582.1, NM_001407583.1 and 30 more transcripts); c.3662A>G, p.Glu1221Gly (NM_001407587.1, NM_001407590.1, NM_001407591.1 and 22 more transcripts); c.3656A>G, p.Glu1219Gly (NM_001407646.1, NM_001407647.1); c.3542A>G, p.Glu1181Gly (NM_001407648.1, NM_001407664.1, NM_001407665.1 and 19 more transcripts); c.3539A>G, p.Glu1180Gly (NM_001407649.1, NM_001407670.1, NM_001407671.1 and 11 more transcripts); c.3587A>G, p.Glu1196Gly (NM_001407653.1, NM_001407654.1, NM_001407655.1 and 4 more transcripts); c.3584A>G, p.Glu1195Gly (NM_001407659.1, NM_001407660.1, NM_001407661.1 and 1 more transcripts); and 41 more; short protein forms E1054G, E1094G, E1095G, E1110G, E1111G, E1133G, E1134G, E1151G.
Identifiers: ClinVar variation 4689389 (VCV004689389.1).